The following is an entry in ClinVar:

NM_000132.4(F8):c.5883G>A (p.Trp1961Ter)

Gene: F8 (coagulation factor VIII; minus strand). Cytogenetic location: Xq28.
Variant type: single nucleotide variant.
Coding change: c.5883G>A on transcript NM_000132.4 (MANE Select); coding-DNA position 5883, G replaced by A.
Protein change: p.Trp1961Ter; replaces tryptophan 1961 with a stop codon.
Molecular consequence: nonsense.
Genome position (GRCh38, 1-based): chrX:154,904,021, C>T on the plus strand (G>A on the coding strand, the complement: F8 is on the minus strand). VCF-style: chrX-154904021-C-T. GRCh37 (hg19) VCF-style: chrX-154132296-C-T.
Other names: short protein forms W1961*.
Identifiers: ClinVar variation 1703846 (VCV001703846.2), dbSNP rs1347629116, ClinGen allele CA414906237.

ClinVar aggregate classification (germline): Pathogenic. Review status: criteria provided, multiple submitters, no conflicts (2 of 4 stars). 2 submissions from 2 submitters: Pathogenic (2). Last evaluated 2024-07-17.

Conditions:
Hereditary factor VIII deficiency disease (HEMA). Also called: HEMOPHILIA, CLASSIC; AUTOSOMAL HEMOPHILIA A; Hemophilia A; Hemophilia A, congenital; HEM A; Factor 8 deficiency, congenital. Identifiers: Orphanet 98878, MedGen C0019069, MONDO:0010602, OMIM 306700.

Allele frequency attached by ClinVar (database versions not stated): TOPMed 0.00001.

Submissions (2):

Myriad Genetics, Inc.
Classification: Pathogenic for Hereditary factor VIII deficiency disease. Last evaluated: 2024-07-17. Review status: criteria provided, single submitter. Criteria: Myriad Autosomal Dominant, Autosomal Recessive and X-Linked Classification Criteria (2023). Collection method: clinical testing. Allele origin: unknown.
Comment: NM_000132.3(F8):c.5883G>A(W1961*) is expected to be pathogenic in the context of hemophilia A. This variant is predicted to lead to an abnormal or absent protein product due to the creation of a premature termination codon in F8, a gene where loss-of-function variants are known to be pathogenic. Please note: this variant was assessed in the context of healthy population screening.

ISTH-SSC Genomics in Thrombosis and Hemostasis, KU Leuven, Center for Molecular and Vascular Biology
Classification: Pathogenic for Hereditary factor VIII deficiency disease. Review status: criteria provided, single submitter. Criteria: ACMG Guidelines, 2015. Collection method: clinical testing. Allele origin: germline. Affected: yes. Observed: 1 heterozygote.
Comment: Submitted to GoldVariant by Kathleen Freson, Center for Molecular and Vascular Biology, Leuven, Belgium